The following is an entry in ClinVar:

ClinVar aggregate classification (germline): Uncertain significance (1 of 4 stars; one submission).

Submission:

GeneDx
Classification: Uncertain significance. Last evaluated: 2017-01-24. Review status: criteria provided, single submitter. Criteria: GeneDx Variant Classification (06012015). Collection method: clinical testing. Allele origin: germline. Affected: yes.
Comment: A variant of uncertain significance has been identified in the FLNA gene. The W142L variant has not been published as pathogenic or been reported as benign to our knowledge. This variant is not observed in large population cohorts (Lek et al., 2016; 1000 Genomes Consortium et al., 2015; Exome Variant Server). The W142L variant is a semi-conservative amino acid substitution, which may impact secondary protein structure as these residues differ in some properties. This substitution occurs at a position that is conserved across species, and in silico analysis predicts this variant is probably damaging to the protein structure/function. However, to our knowledge no studies have been performed to determine the functional effect of the W142L variant.

NM_001110556.2(FLNA):c.425G>T (p.Trp142Leu)

Gene: FLNA (filamin A; minus strand). Cytogenetic location: Xq28.
Variant type: single nucleotide variant.
Coding change: c.425G>T on transcript NM_001110556.2 (MANE Select); coding-DNA position 425, G replaced by T.
Protein change: p.Trp142Leu; replaces tryptophan 142 with leucine.
Molecular consequence: missense variant.
Genome position (GRCh38, 1-based): chrX:154,368,039, C>A on the plus strand (G>T on the coding strand, the complement: FLNA is on the minus strand). VCF-style: chrX-154368039-C-A. GRCh37 (hg19) VCF-style: chrX-153596407-C-A.
Other names: c.425G>T, p.Trp142Leu (NM_001456.4); short protein forms W142L.
Identifiers: ClinVar variation 393094 (VCV000393094.2), dbSNP rs1057524784, ClinGen allele CA16608824.
Genomic context (GRCh38, chrX:154,368,039, plus strand): 5'-TCCTCATCCTCCTCCTCGTCCCACATGGGCATGGAGATGGAGTAGTGCAGGATCAGGGTC[C>A]AGATGAGGCCCAGGATCAGCTTCAGGTTCCCGTCCACGATGGCCTTGCTGTCTGTGAGTA-3'
Protein context (NP_001104026.1, residues 132-152): GNLKLILGLI[Trp142Leu]TLILHYSISM